The following is an entry in ClinVar:

ClinVar aggregate classification (germline): Uncertain significance (1 of 4 stars; one submission).

Submission:

Labcorp Genetics (formerly Invitae), Labcorp
Classification: Uncertain significance. Last evaluated: 2021-10-27. Review status: criteria provided, single submitter. Criteria: Invitae Variant Classification Sherloc (09022015). Collection method: clinical testing. Allele origin: germline.
Comment: Experimental studies and prediction algorithms are not available or were not evaluated, and the functional significance of this variant is currently unknown. In summary, the available evidence is currently insufficient to determine the role of this variant in disease. Therefore, it has been classified as a Variant of Uncertain Significance. This variant, c.1839_1880del, results in the deletion of 14 amino acid(s) of the NEFH protein (p.Ala618_Glu631del), but otherwise preserves the integrity of the reading frame. This variant is not present in population databases (gnomAD no frequency). This variant has not been reported in the literature in individuals affected with NEFH-related conditions.

NM_021076.4(NEFH):c.1839_1880del (p.604AKSPVKEEAKSPAE[1])

Gene: NEFH (neurofilament heavy chain; plus strand). Cytogenetic location: 22q12.2.
Variant type: Deletion.
Coding change: c.1839_1880del on transcript NM_021076.4 (MANE Select); coding-DNA positions 1839 to 1880, 42 bases deleted.
Protein change: p.604AKSPVKEEAKSPAE[1].
Molecular consequence: inframe deletion.
Genome position (GRCh38, 1-based): chr22:29,489,479-29,489,520, 42 bases deleted; deleting any 42 consecutive bases within chr22:29,489,448-29,489,520 gives the same sequence; the c. name uses the placement nearest the transcript's 3' end. GRCh37 (hg19): chr22:29,885,468-29,885,509.
Identifiers: ClinVar variation 1447458 (VCV001447458.6), dbSNP rs766655648, ClinGen allele CA10174280.